The following is an entry in ClinVar:

ClinVar aggregate classification (germline): Uncertain significance (1 of 4 stars; one submission).

Conditions:
Ataxia-telangiectasia syndrome (AT). Also called: LOUIS-BAR SYNDROME; Cerebello-oculocutaneous telangiectasia; Immunodeficiency with ataxia telangiectasia; Ataxia-telangiectasia, complementation group D; Ataxia-telangiectasia, complementation group E; Ataxia telangiectasia (A-T). Identifiers: Orphanet 100, MedGen C0004135, MONDO:0008840, OMIM 208900.

Submission:

Labcorp Genetics (formerly Invitae), Labcorp
Classification: Uncertain significance for Ataxia-telangiectasia syndrome. Last evaluated: 2022-12-11. Review status: criteria provided, single submitter. Criteria: Invitae Variant Classification Sherloc (09022015). Collection method: clinical testing. Allele origin: germline.
Comment: In summary, the available evidence is currently insufficient to determine the role of this variant in disease. Therefore, it has been classified as a Variant of Uncertain Significance. Algorithms developed to predict the effect of missense changes on protein structure and function are either unavailable or do not agree on the potential impact of this missense change (SIFT: "Deleterious"; PolyPhen-2: "Benign"; Align-GVGD: "Class C0"). This variant has not been reported in the literature in individuals affected with ATM-related conditions. This variant is not present in population databases (gnomAD no frequency). This sequence change replaces threonine, which is neutral and polar, with alanine, which is neutral and non-polar, at codon 1908 of the ATM protein (p.Thr1908Ala).

NM_000051.4(ATM):c.5722A>G (p.Thr1908Ala)

Gene: ATM (ATM serine/threonine kinase; plus strand). Cytogenetic location: 11q22.3.
Variant type: single nucleotide variant.
Coding change: c.5722A>G on transcript NM_000051.4 (MANE Select); coding-DNA position 5722, A replaced by G.
Protein change: p.Thr1908Ala; replaces threonine 1908 with alanine.
Molecular consequence: missense variant.
Genome position (GRCh38, 1-based): chr11:108,307,944, A>G. VCF-style: chr11-108307944-A-G. GRCh37 (hg19) VCF-style: chr11-108178671-A-G.
Other names: c.5722A>G, p.Thr1908Ala (NM_001351834.2); short protein forms T1908A.
Identifiers: ClinVar variation 3013409 (VCV003013409.3), dbSNP rs2135977076, ClinGen allele CA382547943.